The following is an entry in ClinVar:

ClinVar aggregate classification (germline): Uncertain significance. Review status: criteria provided, multiple submitters, no conflicts (2 of 4 stars). 2 submissions from 2 submitters: Uncertain significance (2). Last evaluated 2025-10-15.

Conditions:
Hereditary cancer-predisposing syndrome. Also called: Neoplastic Syndromes, Hereditary; Hereditary Cancer Syndrome; Hereditary neoplastic syndrome; Tumor predisposition. Identifiers: Orphanet 140162, MedGen C0027672, MeSH D009386, MONDO:0015356.
Tuberous sclerosis 2 (TSC2). Identifiers: Orphanet 805, MedGen C1860707, MONDO:0013199, OMIM 613254.

Submissions (2):

Ambry Genetics
Classification: Uncertain significance for Hereditary cancer-predisposing syndrome. Last evaluated: 2025-10-15. Review status: criteria provided, single submitter. Criteria: Ambry Variant Classification Scheme 2023. Collection method: clinical testing. Allele origin: germline.
Comment: The p.P903S variant (also known as c.2707C>T), located in coding exon 23 of the TSC2 gene, results from a C to T substitution at nucleotide position 2707. The proline at codon 903 is replaced by serine, an amino acid with similar properties. This amino acid position is conserved. In addition, the in silico prediction for this alteration is inconclusive. Since supporting evidence is limited at this time, the clinical significance of this alteration remains unclear.

Labcorp Genetics (formerly Invitae), Labcorp
Classification: Uncertain significance for Tuberous sclerosis 2. Last evaluated: 2024-12-18. Review status: criteria provided, single submitter. Criteria: Invitae Variant Classification Sherloc (09022015). Collection method: clinical testing. Allele origin: germline.
Comment: This sequence change replaces proline, which is neutral and non-polar, with serine, which is neutral and polar, at codon 903 of the TSC2 protein (p.Pro903Ser). This variant is not present in population databases (gnomAD no frequency). This variant has not been reported in the literature in individuals affected with TSC2-related conditions. ClinVar contains an entry for this variant (Variation ID: 852624). Invitae Evidence Modeling of protein sequence and biophysical properties (such as structural, functional, and spatial information, amino acid conservation, physicochemical variation, residue mobility, and thermodynamic stability) indicates that this missense variant is not expected to disrupt TSC2 protein function with a negative predictive value of 95%. In summary, the available evidence is currently insufficient to determine the role of this variant in disease. Therefore, it has been classified as a Variant of Uncertain Significance.

NM_000548.5(TSC2):c.2707C>T (p.Pro903Ser)

Gene: TSC2 (TSC complex subunit 2; plus strand). Cytogenetic location: 16p13.3.
Variant type: single nucleotide variant.
Coding change: c.2707C>T on transcript NM_000548.5 (MANE Select); coding-DNA position 2707, C replaced by T.
Protein change: p.Pro903Ser; replaces proline 903 with serine.
Molecular consequence: missense variant.
Genome position (GRCh38, 1-based): chr16:2,076,135, C>T. VCF-style: chr16-2076135-C-T. GRCh37 (hg19) VCF-style: chr16-2126136-C-T.
Other names: c.2707C>T, p.Pro903Ser (NM_001077183.3, NM_001114382.3, NM_001363528.2 and 3 more transcripts); c.2596C>T, p.Pro866Ser (NM_001318827.2); c.2560C>T, p.Pro854Ser (NM_001318829.2); c.2107C>T, p.Pro703Ser (NM_001318831.2); c.2740C>T, p.Pro914Ser (NM_001318832.2); short protein forms P866S, P903S, P703S, P854S, P914S.
Identifiers: ClinVar variation 852624 (VCV000852624.12), dbSNP rs2089324682, ClinGen allele CA394279459.